The following is an entry in ClinVar:

ClinVar aggregate classification (germline): Conflicting classifications of pathogenicity. Review status: criteria provided, conflicting classifications (1 of 4 stars). 14 submissions from 14 submitters: Uncertain significance (9); Benign (1); Likely benign (3). 1 of the submissions does not count toward it. Last evaluated 2026-10-01.

Conditions:
PMS2-related disorder. Also called: PMS2-related condition.
Hereditary nonpolyposis colorectal neoplasms. Identifiers: MedGen C0009405, MeSH D003123.
Hereditary cancer-predisposing syndrome. Also called: Hereditary neoplastic syndrome; Neoplastic Syndromes, Hereditary; Tumor predisposition; Hereditary Cancer Syndrome. Identifiers: Orphanet 140162, MedGen C0027672, MeSH D009386, MONDO:0015356.
Lynch syndrome. Identifiers: Orphanet 144, MedGen C4552100, MONDO:0005835. Disease mechanism: loss of function.
Lynch syndrome 4 (LYNCH4). Also called: Colorectal cancer, hereditary nonpolyposis, type 4; Hereditary non-polyposis colorectal cancer, type 4. Identifiers: Orphanet 144, MedGen C1838333, MONDO:0013699, OMIM 614337. Disease mechanism: loss of function.

Allele frequency attached by ClinVar (database versions not stated): gnomAD 0.00001; TOPMed 0.00001; ESP Exome Variant Server 0.00008; gnomAD exomes 0.00001; ExAC 0.00001.
gnomAD v4.1: 30 of 1,613,880 alleles (0.0019%); highest among the groups gnomAD compares: Admixed American, 0.0067%; no homozygotes.

Submissions (14):

GeneDx
Classification: Uncertain significance. Last evaluated: 2026-10-01. Review status: criteria provided, single submitter. Criteria: GeneDx Variant Classification Process June 2021. Collection method: clinical testing. Allele origin: germline.
Comment: In silico analysis suggests that this missense variant does not alter protein structure/function; Observed in an individual with pancreatic cancer who also harbored a CDKN2A pathogenic variant, in individuals with breast cancer and gastrointestinal cancer, and in unaffected control(s) (PMID: 27449771, 33471991, 34326862); This variant is associated with the following publications: (PMID: 31391288, 27449771, 33471991, 34326862)

PreventionGenetics, part of Exact Sciences
Classification: Likely benign for PMS2-related condition. Last evaluated: 2026-08-01. Review status: criteria provided, single submitter. Criteria: ACMG Guidelines, 2015. Collection method: clinical testing. Allele origin: germline.
Comment: This variant is classified as likely benign based on ACMG/AMP sequence variant interpretation guidelines (Richards et al. 2015 PMID: 25741868, with internal and published modifications).

Labcorp Genetics (formerly Invitae), Labcorp
Classification: Benign for Hereditary nonpolyposis colorectal neoplasms. Last evaluated: 2026-01-31. Review status: criteria provided, single submitter. Criteria: Invitae Variant Classification Sherloc (09022015). Collection method: clinical testing. Allele origin: germline.

Women's Health and Genetics/Laboratory Corporation of America, LabCorp
Classification: Uncertain significance. Last evaluated: 2026-01-09. Review status: criteria provided, single submitter. Criteria: LabCorp Variant Classification Summary - May 2015. Collection method: clinical testing. Allele origin: germline.
Comment: Variant summary: PMS2 c.1240G>T (p.Asp414Tyr) results in a non-conservative amino acid change in the encoded protein sequence. Algorithms developed to predict the effect of missense changes on protein structure and function are either unavailable or do not agree on the potential impact of this missense change. The variant allele was found at a frequency of 1.2e-05 in 250702 control chromosomes. The available data on variant occurrences in the general population are insufficient to allow any conclusion about variant significance. c.1240G>T has been observed in one individual affected with pancreatic cancer, who also carried a pathogenic variant in CDKN2A (co-occurring variant was not specified) (Yang 2016). The variant was also reported as likely benign in one patient diagnosed with a Lynch syndrome related cancer (Li_2020), and within a breast cancer patient cohort (Dorling_2021). However, these reports do not provide unequivocal conclusions about association of the variant with Hereditary Nonpolyposis Colorectal Cancer/Lynch syndrome. To our knowledge, no experimental evidence demonstrating an impact on protein function has been reported. The following publications have been ascertained in the context of this evaluation (PMID: 27449771, 31391288, 33471991). ClinVar contains an entry for this variant (Variation ID: 127757). Based on the evidence outlined above, the variant was classified as uncertain significance.

Color Diagnostics, LLC DBA Color Health
Classification: Uncertain significance for Hereditary cancer-predisposing syndrome. Last evaluated: 2025-11-06. Review status: criteria provided, single submitter. Criteria: ACMG Guidelines, 2015. Collection method: clinical testing. Allele origin: germline.
Comment: This missense variant replaces aspartic acid with tyrosine at codon 414 of the PMS2 protein. Computational prediction suggests that this variant may not impact protein structure and function. To our knowledge, functional studies have not been reported for this variant. This variant has been reported in an individual affected pancreatic cancer (PMID: 27449771). In a large breast cancer case-control study, this variant has been reported in 2/60466 cases and 1/53461 unaffected controls (PMID: 33471991). This variant has been identified in 30/1613880 chromosomes in the general population by the Genome Aggregation Database (gnomAD). The available evidence is insufficient to determine the role of this variant in disease conclusively. Therefore, this variant is classified as a Variant of Uncertain Significance.

Dasa
Classification: Uncertain significance. Last evaluated: 2025-04-14. Review status: criteria provided, single submitter. Criteria: DASA Assertion Criteria. Collection method: clinical testing. Allele origin: germline.
Comment: NM_000535.7(PMS2):c.1240G>T (p.Asp414Tyr) is a missense variant that results in the substitution of aspartic acid with tyrosine. This variant is rare in population databases. Computational prediction algorithms are consistent with a benign effect. The currently available literature and clinical evidence are not sufficient to establish a definitive association between this variant and the reported condition. Therefore, this variant is classified as a variant of uncertain significance.

Center for Genomic Medicine, Rigshospitalet, Copenhagen University Hospital
Classification: Uncertain significance. Last evaluated: 2025-03-04. Review status: criteria provided, single submitter. Criteria: ACMG Guidelines, 2015. Collection method: clinical testing. Allele origin: germline.

Quest Diagnostics Nichols Institute San Juan Capistrano
Classification: Uncertain significance. Last evaluated: 2024-11-16. Review status: criteria provided, single submitter. Criteria: Quest Diagnostics criteria. Collection method: clinical testing. Allele origin: unknown.
Comment: The BRCA2 c.7463G>A (p.Arg2488Lys) variant has been reported in the published literature in an individual with pancreatic cancer (PMID: 27449771 (2016)) and in an individual with a Lynch Syndrome-related cancer (PMID: 31391288 (2020)). In a large scale breast cancer association study, this variant has been observed in 2 breast cancer cases and 1 reportedly healthy individual (PMID: 33471991 (2021), see also LOVD). The frequency of this variant in the general population, 0.000087 (3/34558 chromosomes (Genome Aggregation Database)), is uninformative in the assessment of its pathogenicity. Analysis of this variant using bioinformatics tools for the prediction of the effect of amino acid changes on protein structure and function yielded predictions that this variant is benign. Based on the available information, we are unable to determine the clinical significance of this variant.

Myriad Genetics, Inc.
Classification: Likely benign for Lynch syndrome 4. Last evaluated: 2024-07-16. Review status: criteria provided, single submitter. Criteria: Myriad Autosomal Dominant, Autosomal Recessive and X-Linked Classification Criteria (2023). Collection method: clinical testing. Allele origin: unknown.
Comment: This variant is considered likely benign. Homozygosity for this variant has been confirmed in one or more individuals lacking clinical features consistent with gene-specific recessive disease, indicating that this variant is unlikely to be pathogenic.

All of Us Research Program, National Institutes of Health
Classification: Uncertain significance for Lynch syndrome. Last evaluated: 2024-05-24. Review status: criteria provided, single submitter. Criteria: ACMG Guidelines, 2015. Collection method: clinical testing. Allele origin: germline. Inheritance: Autosomal dominant inheritance. Observed: 7 variant alleles, 7 heterozygotes.
Comment: This missense variant replaces aspartic acid with tyrosine at codon 414 of the PMS2 protein. Computational prediction suggests that this variant may not impact protein structure and function (internally defined REVEL score threshold <= 0.5, PMID: 27666373). Splice site prediction tools suggest that this variant may not impact RNA splicing. To our knowledge, functional studies have not been performed for this variant. This variant has been reported in an individual affected pancreatic cancer (PMID: 27449771). In a large breast cancer case-control study, this variant has been reported in 2/60466 cases and 1/53461 unaffected controls (PMID: 33471991). This variant has been identified in 3/250702 chromosomes in the general population by the Genome Aggregation Database (gnomAD). The available evidence is insufficient to determine the role of this variant in disease conclusively. Therefore, this variant is classified as a Variant of Uncertain Significance.

This study involves interpretation of variants in research participants for the purpose of population health screening. Participant phenotype was not available at the time of variant classification. Additional details can be found in publication PMID: 35346344, PMCID: PMC8962531

Ambry Genetics
Classification: Likely benign for Hereditary cancer-predisposing syndrome. Last evaluated: 2024-03-04. Review status: criteria provided, single submitter. Criteria: Ambry Variant Classification Scheme 2023. Collection method: clinical testing. Allele origin: germline.

Baylor Genetics
Classification: Uncertain significance for Lynch syndrome 4. Last evaluated: 2023-12-08. Review status: criteria provided, single submitter. Criteria: ACMG Guidelines, 2015. Collection method: clinical testing. Allele origin: unknown.

Sema4
Classification: Uncertain significance for Hereditary cancer-predisposing syndrome. Last evaluated: 2022-03-06. Review status: criteria provided, single submitter. Criteria: Sema4 Curation Guidelines. Collection method: curation. Allele origin: germline.
Comment: The PMS2 c.1240G>T (p.D414Y) variant has been reported in at least 3 individuals with breast or pancreatic cancer, and was also identified in heathy controls (PMID: 33471991, 27449771). The individual with pancreatic cancer also carried an unspecified CDKN2A pathogenic variant (PMID: 27449771). It was observed in 3/34558 chromosomes of the Latino subpopulation in the large and broad cohorts of the Genome Aggregation Database (PMID: 32461654). The variant has been reported in ClinVar (Variation ID 127757). In silico tools suggest the impact of the variant on protein function is inconclusive, though these predictions have not been confirmed by functional studies. The evidence is insufficient to meet ACMG/AMP criteria for classifying the variant as benign or pathogenic. Thus, the clinical significance of this variant is currently uncertain.

True Health Diagnostics
Classification: Uncertain significance for Hereditary cancer-predisposing syndrome. Last evaluated: 2018-04-09. Review status: no assertion criteria provided. Collection method: clinical testing. Allele origin: germline. Not counted in ClinVar's aggregate classification.

Literature cited by the submitters: PubMed 27449771 (cited by 5 submitters); PubMed 31391288 (cited by Women's Health and Genetics/Laboratory Corporation of America, LabCorp and Quest Diagnostics Nichols Institute San Juan Capistrano); PubMed 33471991 (cited by 6 submitters); PubMed 34326862 (cited by Quest Diagnostics Nichols Institute San Juan Capistrano).

NM_000535.7(PMS2):c.1240G>T (p.Asp414Tyr)

Gene: PMS2 (PMS1 homolog 2, mismatch repair system component; minus strand). Cytogenetic location: 7p22.1.
Variant type: single nucleotide variant.
Coding change: c.1240G>T on transcript NM_000535.7 (MANE Select); coding-DNA position 1240, G replaced by T.
Protein change: p.Asp414Tyr; replaces aspartic acid 414 with tyrosine.
Molecular consequence: missense variant. On other transcripts: non-coding transcript variant (1).
Genome position (GRCh38, 1-based): chr7:5,987,525, C>A on the plus strand (G>T on the coding strand, the complement: PMS2 is on the minus strand). VCF-style: chr7-5987525-C-A. GRCh37 (hg19) VCF-style: chr7-6027156-C-A.
Other names: c.835G>T, p.Asp279Tyr (NM_001322003.2, NM_001322004.2, NM_001322005.2 and 1 more transcripts); c.1084G>T, p.Asp362Tyr (NM_001322006.2); c.922G>T, p.Asp308Tyr (NM_001322007.2, NM_001322008.2); c.679G>T, p.Asp227Tyr (NM_001322010.2); c.307G>T, p.Asp103Tyr (NM_001322011.2, NM_001322012.2); c.667G>T, p.Asp223Tyr (NM_001322013.2); c.1240G>T, p.Asp414Tyr (NM_001322014.2); c.931G>T, p.Asp311Tyr (NM_001322015.2); short protein forms D414Y, D103Y, D223Y, D362Y, D227Y, D279Y, D308Y, D311Y.
Identifiers: ClinVar variation 127757 (VCV000127757.45), dbSNP rs370752614, ClinGen allele CA009404.